The following is an entry in ClinVar:

ClinVar aggregate classification (germline): Uncertain significance. Review status: criteria provided, multiple submitters, no conflicts (2 of 4 stars). 2 submissions from 2 submitters: Uncertain significance (2). Last evaluated 2025-12-20.

Allele frequency attached by ClinVar (database versions not stated): gnomAD exomes below 0.00001; TOPMed below 0.00001.

Submissions (2):

Labcorp Genetics (formerly Invitae), Labcorp
Classification: Uncertain significance. Last evaluated: 2025-12-20. Review status: criteria provided, single submitter. Criteria: Invitae Variant Classification Sherloc (09022015). Collection method: clinical testing. Allele origin: germline.
Comment: This sequence change replaces cysteine, which is neutral and slightly polar, with tyrosine, which is neutral and polar, at codon 363 of the ABCC2 protein (p.Cys363Tyr). This variant is not present in population databases (gnomAD no frequency). This variant has not been reported in the literature in individuals affected with ABCC2-related conditions. ClinVar contains an entry for this variant (Variation ID: 596777). Invitae Evidence Modeling of protein sequence and biophysical properties (such as structural, functional, and spatial information, amino acid conservation, physicochemical variation, residue mobility, and thermodynamic stability) indicates that this missense variant is not expected to disrupt ABCC2 protein function with a negative predictive value of 80%. In summary, the available evidence is currently insufficient to determine the role of this variant in disease. Therefore, it has been classified as a Variant of Uncertain Significance.

Eurofins Ntd Llc (ga)
Classification: Uncertain significance. Last evaluated: 2018-04-04. Review status: criteria provided, single submitter. Criteria: EGL ClinVar v180209 classification definitions. Collection method: clinical testing. Allele origin: germline. Observed: 1 variant allele, 1 heterozygote.

NM_000392.5(ABCC2):c.1088G>A (p.Cys363Tyr)

Gene: ABCC2 (ATP binding cassette subfamily C member 2; plus strand). Cytogenetic location: 10q24.2.
Variant type: single nucleotide variant.
Coding change: c.1088G>A on transcript NM_000392.5 (MANE Select); coding-DNA position 1088, G replaced by A.
Protein change: p.Cys363Tyr; replaces cysteine 363 with tyrosine.
Molecular consequence: missense variant.
Genome position (GRCh38, 1-based): chr10:99,800,442, G>A. VCF-style: chr10-99800442-G-A. GRCh37 (hg19) VCF-style: chr10-101560199-G-A.
Other names: c.1088G>A, p.Cys363Tyr (LRG_1208t1); short protein forms C363Y.
Identifiers: ClinVar variation 596777 (VCV000596777.6), dbSNP rs1564675319, ClinGen allele CA378106187.